The following is an entry in ClinVar:

ClinVar aggregate classification (germline): Pathogenic. Review status: criteria provided, multiple submitters, no conflicts (2 of 4 stars). 2 submissions from 2 submitters: Pathogenic (2). Last evaluated 2024-05-28.

Conditions:
Marfan Syndrome/Loeys-Dietz Syndrome/Familial Thoracic Aortic Aneurysms and Dissections. Identifiers: MedGen CN229799.
Marfan syndrome (MFS). Also called: MARFAN SYNDROME, TYPE I; Marfan syndrome type 1; Marfan's syndrome; Marfan syndrome, classic; FBN1-Related Marfan Syndrome. Identifiers: Orphanet 284963, Orphanet 558, MedGen C0024796, MONDO:0007947, OMIM 154700.
Familial thoracic aortic aneurysm and aortic dissection (TAAD). Also called: Thoracic aortic aneurysms and dissections. Identifiers: Orphanet 91387, MedGen C4707243, MONDO:0019625.

Submissions (2):

Women's Health and Genetics/Laboratory Corporation of America, LabCorp
Classification: Pathogenic for Marfan Syndrome/Loeys-Dietz Syndrome/Familial Thoracic Aortic Aneurysms and Dissections. Last evaluated: 2024-05-28. Review status: criteria provided, single submitter. Criteria: LabCorp Variant Classification Summary - May 2015. Collection method: clinical testing. Allele origin: germline.
Comment: Variant summary: FBN1 c.1942delG (p.Asp648MetfsX70) results in a premature termination codon, predicted to cause a truncation of the encoded protein or absence of the protein due to nonsense mediated decay, which are commonly known mechanisms for disease. The variant was absent in 251456 control chromosomes. To our knowledge, no occurrence of c.1942delG in individuals affected with Marfan Syndrome and no experimental evidence demonstrating its impact on protein function have been reported. ClinVar contains an entry for this variant (Variation ID: 2921884). Based on the evidence outlined above, the variant was classified as pathogenic.

Labcorp Genetics (formerly Invitae), Labcorp
Classification: Pathogenic for Marfan syndrome; Familial thoracic aortic aneurysm and aortic dissection. Last evaluated: 2024-02-08. Review status: criteria provided, single submitter. Criteria: Invitae Variant Classification Sherloc (09022015). Collection method: clinical testing. Allele origin: germline.
Comment: This sequence change creates a premature translational stop signal (p.Asp648Metfs*70) in the FBN1 gene. It is expected to result in an absent or disrupted protein product. Loss-of-function variants in FBN1 are known to be pathogenic (PMID: 17657824, 19293843). This variant is not present in population databases (gnomAD no frequency). This variant has not been reported in the literature in individuals affected with FBN1-related conditions. For these reasons, this variant has been classified as Pathogenic.

Literature cited by the submitters: PubMed 17657824 (cited by Labcorp Genetics (formerly Invitae), Labcorp); PubMed 19293843 (cited by Labcorp Genetics (formerly Invitae), Labcorp).

NM_000138.5(FBN1):c.1942del (p.Asp648fs)

Gene: FBN1 (fibrillin 1; minus strand). Cytogenetic location: 15q21.1.
Variant type: Deletion.
Coding change: c.1942del on transcript NM_000138.5 (MANE Select); coding-DNA position 1942, one base deleted (G; older notation c.1942delG).
Protein change: p.Asp648fs; shifts the reading frame from aspartic acid 648.
Molecular consequence: frameshift variant.
Genome position (GRCh38, 1-based): chr15:48,505,043, C deleted on the plus strand (G on the coding strand, the reverse complement: FBN1 is on the minus strand); the first of 2 consecutive C bases (chr15:48,505,043-48,505,044); deleting either gives the same sequence. VCF-style (leftmost placement, unchanged base first): chr15-48505042-TC-T. GRCh37 (hg19) VCF-style: chr15-48797239-TC-T.
Other names: c.1942delG (NM_000138.5); c.1942del, p.Asp648fs (NM_001406716.1); short protein forms D648fs.
Identifiers: ClinVar variation 2921884 (VCV002921884.4), dbSNP rs2505594680, ClinGen allele CA2740096673.